The following is an entry in ClinVar:

ClinVar aggregate classification (germline): Likely benign (1 of 4 stars; one submission).

Conditions:
NTN1-related disorder. Also called: NTN1-related condition.

gnomAD v4.1: 16 of 1,613,258 alleles (0.00099%); highest among the groups gnomAD compares: East Asian, 0.0022%; no homozygotes.

Submission:

PreventionGenetics, part of Exact Sciences
Classification: Likely benign for NTN1-related condition. Last evaluated: 2025-03-20. Review status: criteria provided, single submitter. Criteria: ACMG Guidelines, 2015. Collection method: clinical testing. Allele origin: germline.
Comment: This variant is classified as likely benign based on ACMG/AMP sequence variant interpretation guidelines (Richards et al. 2015 PMID: 25741868, with internal and published modifications).

NM_004822.3(NTN1):c.1411+7G>T

Gene: NTN1 (netrin 1; plus strand). Cytogenetic location: 17p13.1.
Variant type: single nucleotide variant.
Coding change: c.1411+7G>T on transcript NM_004822.3 (MANE Select); 7 bases into the intron after coding-DNA position 1411, G replaced by T.
Molecular consequence: intron variant.
Genome position (GRCh38, 1-based): chr17:9,182,976, G>T. VCF-style: chr17-9182976-G-T. GRCh37 (hg19) VCF-style: chr17-9086293-G-T.
Identifiers: ClinVar variation 4986088 (VCV004986088.1).